The following is an entry in ClinVar:

NM_003126.4(SPTA1):c.3828G>A (p.Gly1276=)

Gene: SPTA1 (spectrin alpha, erythrocytic 1; minus strand). Cytogenetic location: 1q23.1.
Variant type: single nucleotide variant.
Coding change: c.3828G>A on transcript NM_003126.4 (MANE Select); coding-DNA position 3828, G replaced by A.
Protein change: p.Gly1276=; no amino-acid change (glycine 1276 retained).
Molecular consequence: synonymous variant.
Genome position (GRCh38, 1-based): chr1:158,647,607, C>T on the plus strand (G>A on the coding strand, the complement: SPTA1 is on the minus strand). VCF-style: chr1-158647607-C-T. GRCh37 (hg19) VCF-style: chr1-158617397-C-T.
Other names: c.3828G>A (NM_003126.2).
Identifiers: ClinVar variation 2167969 (VCV002167969.5), dbSNP rs372838864, ClinGen allele CA1182924.
Genomic context (GRCh38, chr1:158,647,607, plus strand): 5'-GCTGAGGAACAGGTAGAATTTCTGGGCCTCATTTAGGCTCTCCTTACGATCCTTTGTACG[C>T]CCCTGCAGGTCTTCCCAGGCCTCATTCAGCTCCATTTTCTGTCTCTGCAGGTCCTCAGTG-3'
Protein context (NP_003117.2, residues 1266-1286): ELNEAWEDLQ[Gly1276=]RTKDRKESLN

ClinVar aggregate classification (germline): Benign/Likely benign. Review status: criteria provided, multiple submitters, no conflicts (2 of 4 stars). 2 submissions from 2 submitters: Benign (1); Likely benign (1). Last evaluated 2026-08-31.

Conditions:
SPTA1-related disorder. Also called: SPTA1-related condition; SPTA1-related disorders.

Allele frequency attached by ClinVar (database versions not stated): ExAC 0.00004; ESP Exome Variant Server 0.00008; gnomAD exomes 0.00001.
gnomAD v4.1: 19 of 1,613,804 alleles (0.0012%); highest among the groups gnomAD compares: Admixed American, 0.012%; no homozygotes.

Submissions (2):

PreventionGenetics, part of Exact Sciences
Classification: Likely benign for SPTA1-related condition. Last evaluated: 2026-08-31. Review status: criteria provided, single submitter. Criteria: ACMG Guidelines, 2015. Collection method: clinical testing. Allele origin: germline.
Comment: This variant is classified as likely benign based on ACMG/AMP sequence variant interpretation guidelines (Richards et al. 2015 PMID: 25741868, with internal and published modifications).

Labcorp Genetics (formerly Invitae), Labcorp
Classification: Benign. Last evaluated: 2022-03-26. Review status: criteria provided, single submitter. Criteria: Invitae Variant Classification Sherloc (09022015). Collection method: clinical testing. Allele origin: germline.